The following is an entry in ClinVar:

NM_153704.6(TMEM67):c.114del (p.Phe39fs)

Gene: TMEM67 (transmembrane protein 67; plus strand). Cytogenetic location: 8q22.1.
Variant type: Deletion.
Coding change: c.114del on transcript NM_153704.6 (MANE Select); coding-DNA position 114, one base deleted (C; older notation c.114delC).
Protein change: p.Phe39fs; shifts the reading frame from phenylalanine 39.
Molecular consequence: frameshift variant. On other transcripts: 5 prime UTR variant (1), non-coding transcript variant (1).
Genome position (GRCh38, 1-based): chr8:93,755,028, C deleted; the last of 2 consecutive C bases (chr8:93,755,027-93,755,028); deleting either gives the same sequence. VCF-style (leftmost placement, unchanged base first): chr8-93755026-AC-A. GRCh37 (hg19) VCF-style: chr8-94767254-AC-A.
Other names: c.-171del (NM_001142301.1); short protein forms F39fs.
Identifiers: ClinVar variation 2445933 (VCV002445933.1), dbSNP rs1390541519, ClinGen allele CA857041554.

ClinVar aggregate classification (germline): Likely pathogenic (1 of 4 stars; one submission).

Conditions:
Joubert syndrome and related disorders. Identifiers: Orphanet 140874, MedGen C5679612, MONDO:0015369.

Submission:

Women's Health and Genetics/Laboratory Corporation of America, LabCorp
Classification: Likely pathogenic for Joubert syndrome and related disorders. Last evaluated: 2023-02-20. Review status: criteria provided, single submitter. Criteria: LabCorp Variant Classification Summary - May 2015. Collection method: clinical testing. Allele origin: germline.
Comment: Variant summary: TMEM67 c.114delC (p.Phe39SerfsX48) results in a premature termination codon, predicted to cause a truncation of the encoded protein or absence of the protein due to nonsense mediated decay, which are commonly known mechanisms for disease. Truncations downstream of this position have been classified as pathogenic by our laboratory. The next downstream in-frame ATG start site is at codon 86 (Exon 2). Additional truncating variants downstream of the start-loss but upstream of the potential new start codon (M86), have also been reported as pathogenic in ClinVar and are associated with Joubert syndrome in HGMD (e.g., c.130C>T/p.Gln44Ter). The variant was absent in 251494 control chromosomes. To our knowledge, no occurrence of c.114delC in individuals affected with Joubert Syndrome And Related Disorders and no experimental evidence demonstrating its impact on protein function have been reported. No clinical diagnostic laboratories have submitted clinical-significance assessments for this variant to ClinVar after 2014. Based on the evidence outlined above, the variant was classified as likely pathogenic.